The following is an entry in ClinVar:

NM_021020.5(LZTS1):c.899G>A (p.Arg300Gln)

Gene: LZTS1 (leucine zipper tumor suppressor 1; minus strand). Cytogenetic location: 8p21.3.
Variant type: single nucleotide variant.
Coding change: c.899G>A on transcript NM_021020.5 (MANE Select); coding-DNA position 899, G replaced by A.
Protein change: p.Arg300Gln; replaces arginine 300 with glutamine.
Molecular consequence: missense variant.
Genome position (GRCh38, 1-based): chr8:20,253,032, C>T on the plus strand (G>A on the coding strand, the complement: LZTS1 is on the minus strand). VCF-style: chr8-20253032-C-T. GRCh37 (hg19) VCF-style: chr8-20110543-C-T.
Other names: c.899G>A, p.Arg300Gln (NM_001362884.2); short protein forms R300Q.
Identifiers: ClinVar variation 2065638 (VCV002065638.4), dbSNP rs369991637, ClinGen allele CA4657410.

ClinVar aggregate classification (germline): Uncertain significance (1 of 4 stars; one submission).

Allele frequency attached by ClinVar (database versions not stated): gnomAD exomes 0.00001; ExAC 0.00004; gnomAD 0.00005; TOPMed 0.00007; ESP Exome Variant Server 0.00015; 1000 Genomes Project 30x 0.00031.

Submission:

Labcorp Genetics (formerly Invitae), Labcorp
Classification: Uncertain significance. Last evaluated: 2025-07-20. Review status: criteria provided, single submitter. Criteria: Invitae Variant Classification Sherloc (09022015). Collection method: clinical testing. Allele origin: germline.
Comment: This sequence change replaces arginine, which is basic and polar, with glutamine, which is neutral and polar, at codon 300 of the LZTS1 protein (p.Arg300Gln). This variant is present in population databases (rs369991637, gnomAD 0.02%). This variant has not been reported in the literature in individuals affected with LZTS1-related conditions. ClinVar contains an entry for this variant (Variation ID: 2065638). Invitae Evidence Modeling of protein sequence and biophysical properties (such as structural, functional, and spatial information, amino acid conservation, physicochemical variation, residue mobility, and thermodynamic stability) has been performed for this missense variant. However, the output from this modeling did not meet the statistical confidence thresholds required to predict the impact of this variant on LZTS1 protein function. In summary, the available evidence is currently insufficient to determine the role of this variant in disease. Therefore, it has been classified as a Variant of Uncertain Significance.